The following is an entry in ClinVar:

ClinVar aggregate classification (germline): Benign. Review status: criteria provided, multiple submitters, no conflicts (2 of 4 stars). 2 submissions from 2 submitters: Benign (2). Last evaluated 2018-06-14.

Allele frequency attached by ClinVar (database versions not stated): 1000 Genomes Project 0.24421; TOPMed 0.24680; gnomAD 0.25357 and 0.25482.
gnomAD v4.1: 38,105 of 149,834 alleles (25%); highest among the groups gnomAD compares: Non-Finnish European, 29%; 5,144 homozygotes.

Submissions (2):

GeneDx
Classification: Benign. Last evaluated: 2018-06-14. Review status: criteria provided, single submitter. Criteria: GeneDx Variant Classification (06012015). Collection method: clinical testing. Allele origin: germline. Affected: yes.
Comment: This variant is considered likely benign or benign based on one or more of the following criteria: it is a conservative change, it occurs at a poorly conserved position in the protein, it is predicted to be benign by multiple in silico algorithms, and/or has population frequency not consistent with disease.

Breakthrough Genomics
Classification: Benign. Review status: criteria provided, single submitter. Criteria: ACMG Guidelines, 2015. Collection method: not provided. Allele origin: germline. Inheritance: Autosomal recessive inheritance. Affected: yes.

NM_017875.4(SLC25A38):c.793-174T>A

Gene: SLC25A38 (solute carrier family 25 member 38; plus strand). Cytogenetic location: 3p22.1.
Variant type: single nucleotide variant.
Coding change: c.793-174T>A on transcript NM_017875.4 (MANE Select); 174 bases into the intron before coding-DNA position 793, T replaced by A.
Molecular consequence: intron variant.
Genome position (GRCh38, 1-based): chr3:39,396,224, T>A. VCF-style: chr3-39396224-T-A. GRCh37 (hg19) VCF-style: chr3-39437715-T-A.
Other names: c.626-174T>A (NM_001354798.2).
Identifiers: ClinVar variation 683977 (VCV000683977.2), dbSNP rs35086961, ClinGen allele CA11622994.